The following is an entry in ClinVar:

NM_001164508.2(NEB):c.5191A>G (p.Thr1731Ala)

Gene: NEB (nebulin; minus strand). Cytogenetic location: 2q23.3.
Variant type: single nucleotide variant.
Coding change: c.5191A>G on transcript NM_001164508.2 (MANE Select); coding-DNA position 5191, A replaced by G.
Protein change: p.Thr1731Ala; replaces threonine 1731 with alanine.
Molecular consequence: missense variant.
Genome position (GRCh38, 1-based): chr2:151,665,380, T>C on the plus strand (A>G on the coding strand, the complement: NEB is on the minus strand). VCF-style: chr2-151665380-T-C. GRCh37 (hg19) VCF-style: chr2-152521894-T-C.
Other names: c.5191A>G, p.Thr1731Ala (NM_001164507.2, NM_001271208.2, NM_004543.5); short protein forms T1731A.
Identifiers: ClinVar variation 3234798 (VCV003234798.20), dbSNP rs2552257801, ClinGen allele CA348812118.

ClinVar aggregate classification (germline): Uncertain significance (1 of 4 stars; one submission).

Submission:

CeGaT Center for Human Genetics Tuebingen
Classification: Uncertain significance. Last evaluated: 2024-04-01. Review status: criteria provided, single submitter. Criteria: CeGaT Center For Human Genetics Tuebingen Variant Classification Criteria Version 2. Collection method: clinical testing. Allele origin: germline. Affected: yes. Observed: 1 variant allele.
Comment: NEB: PM2, BP4